The following is an entry in ClinVar:

NM_006922.4(SCN3A):c.5407G>T (p.Asp1803Tyr)

Gene: SCN3A (sodium voltage-gated channel alpha subunit 3; minus strand). Cytogenetic location: 2q24.3.
Variant type: single nucleotide variant.
Coding change: c.5407G>T on transcript NM_006922.4 (MANE Select); coding-DNA position 5407, G replaced by T.
Protein change: p.Asp1803Tyr; replaces aspartic acid 1803 with tyrosine.
Molecular consequence: missense variant.
Genome position (GRCh38, 1-based): chr2:165,090,746, C>A on the plus strand (G>T on the coding strand, the complement: SCN3A is on the minus strand). VCF-style: chr2-165090746-C-A. GRCh37 (hg19) VCF-style: chr2-165947256-C-A.
Other names: c.5260G>T, p.Asp1754Tyr (NM_001081676.2, NM_001081677.2); short protein forms D1803Y, D1754Y.
Identifiers: ClinVar variation 2783813 (VCV002783813.3), dbSNP rs3731762, ClinGen allele CA349014932.
Genomic context (GRCh38, chr2:165,090,746, plus strand): 5'-GAGGATCCAGGGCAGCTGCAAAATCAGAGAGTTTAGAGAACTCTATAAACTGGGTCGCAT[C>A]GGGATCAAACTTTTCCCAAACCTCATAGAACATCTCAAAGTCATCCTCACTCAGGGGCTC-3'
Protein context (NP_008853.3, residues 1793-1813): FYEVWEKFDP[Asp1803Tyr]ATQFIEFSKL

ClinVar aggregate classification (germline): Uncertain significance (1 of 4 stars; one submission).

gnomAD v4.1: 1 of 1,614,040 alleles (0.000062%); highest among the groups gnomAD compares: Non-Finnish European, 0.000085%; no homozygotes.

Submission:

Labcorp Genetics (formerly Invitae), Labcorp
Classification: Uncertain significance. Last evaluated: 2024-01-10. Review status: criteria provided, single submitter. Criteria: Invitae Variant Classification Sherloc (09022015). Collection method: clinical testing. Allele origin: germline.
Comment: This sequence change replaces aspartic acid, which is acidic and polar, with tyrosine, which is neutral and polar, at codon 1803 of the SCN3A protein (p.Asp1803Tyr). This variant is not present in population databases (gnomAD no frequency). This variant has not been reported in the literature in individuals affected with SCN3A-related conditions. Advanced modeling of protein sequence and biophysical properties (such as structural, functional, and spatial information, amino acid conservation, physicochemical variation, residue mobility, and thermodynamic stability) has been performed at Invitae for this missense variant, however the output from this modeling did not meet the statistical confidence thresholds required to predict the impact of this variant on SCN3A protein function. In summary, the available evidence is currently insufficient to determine the role of this variant in disease. Therefore, it has been classified as a Variant of Uncertain Significance.